The following is an entry in ClinVar:

NM_024678.6(NARS2):c.1388A>G (p.Lys463Arg)

Gene: NARS2 (asparaginyl-tRNA synthetase 2, mitochondrial; minus strand). Cytogenetic location: 11q14.1.
Variant type: single nucleotide variant.
Coding change: c.1388A>G on transcript NM_024678.6 (MANE Select); coding-DNA position 1388, A replaced by G.
Protein change: p.Lys463Arg; replaces lysine 463 with arginine.
Molecular consequence: missense variant. On other transcripts: 3 prime UTR variant (1), non-coding transcript variant (4).
Genome position (GRCh38, 1-based): chr11:78,436,716, T>C on the plus strand (A>G on the coding strand, the complement: NARS2 is on the minus strand). VCF-style: chr11-78436716-T-C. GRCh37 (hg19) VCF-style: chr11-78147762-T-C.
Other names: c.707A>G, p.Lys236Arg (NM_001243251.2, NM_001425312.1, NM_001425313.1); c.1511A>G, p.Lys504Arg (NM_001425299.1); c.1361A>G, p.Lys454Arg (NM_001425300.1); c.1316A>G, p.Lys439Arg (NM_001425301.1); c.1307A>G, p.Lys436Arg (NM_001425302.1); c.1280A>G, p.Lys427Arg (NM_001425303.1); c.1250A>G, p.Lys417Arg (NM_001425304.1); c.*1251A>G (NM_001425305.1); and 7 more; short protein forms K227R, K236R, K246R, K277R, K373R, K386R, K387R, K393R.
Identifiers: ClinVar variation 3903050 (VCV003903050.1).

ClinVar aggregate classification (germline): Uncertain significance (1 of 4 stars; one submission).

gnomAD v4.1: 5 of 1,614,224 alleles (0.00031%); highest among the groups gnomAD compares: South Asian, 0.0033%; no homozygotes.

Submission:

GeneDx
Classification: Uncertain significance. Last evaluated: 2024-12-13. Review status: criteria provided, single submitter. Criteria: GeneDx Variant Classification Process June 2021. Collection method: clinical testing. Allele origin: germline. Affected: yes.
Comment: Not observed at significant frequency in large population cohorts (gnomAD); In silico analysis indicates that this missense variant does not alter protein structure/function; Has not been previously published as pathogenic or benign to our knowledge